The following is an entry in ClinVar:

NM_016729.3(FOLR1):c.65C>T (p.Ala22Val)

Genes: FOLR1 (folate receptor alpha; plus strand), FOLR1-AS1 (FOLR1 antisense RNA 1; minus strand). Cytogenetic location: 11q13.4.
Variant type: single nucleotide variant.
Coding change: c.65C>T on transcript NM_016729.3 (MANE Select); coding-DNA position 65, C replaced by T.
Protein change: p.Ala22Val; replaces alanine 22 with valine.
Molecular consequence: missense variant.
Genome position (GRCh38, 1-based): chr11:72,192,238, C>T. VCF-style: chr11-72192238-C-T. GRCh37 (hg19) VCF-style: chr11-71903282-C-T.
Other names: c.65C>T, p.Ala22Val (NM_000802.3, NM_016724.3, NM_016725.3); short protein forms A22V.
Identifiers: ClinVar variation 587946 (VCV000587946.48), dbSNP rs1565363926, ClinGen allele CA381729272.
Genomic context (GRCh38, chr11:72,192,238, plus strand): 5'-CTCAGCGGATGACAACACAGCTGCTGCTCCTTCTAGTGTGGGTGGCTGTAGTAGGGGAGG[C>T]TCAGACAAGGATTGCATGGGCCAGGACTGAGCTTCTCAATGTCTGCATGAACGCCAAGCA-3'
Protein context (NP_057941.1, residues 12-32): LLVWVAVVGE[Ala22Val]QTRIAWARTE

ClinVar aggregate classification (germline): Uncertain significance. Review status: criteria provided, multiple submitters, no conflicts (2 of 4 stars). 2 submissions from 2 submitters: Uncertain significance (2). Last evaluated 2021-12-20.

Conditions:
Inborn genetic diseases. Identifiers: MedGen C0950123, MeSH D030342.
Cerebral folate transport deficiency. Also called: NEURODEGENERATION DUE TO CEREBRAL FOLATE TRANSPORT DEFICIENCY; FOLATE RECEPTOR DEFICIENCY; FOLR1-Related Cerebral Folate Transport Deficiency; Neurodegenerative syndrome due to cerebral folate transport deficiency; Cerebral folate deficiency syndrome. Identifiers: Orphanet 217382, MedGen C2751584, MONDO:0013110, OMIM 613068. Disease mechanism: loss of function.

Allele frequency attached by ClinVar (database versions not stated): gnomAD exomes below 0.00001; TOPMed below 0.00001.

Submissions (2):

Labcorp Genetics (formerly Invitae), Labcorp
Classification: Uncertain significance for Cerebral folate transport deficiency. Last evaluated: 2021-12-20. Review status: criteria provided, single submitter. Criteria: Invitae Variant Classification Sherloc (09022015). Collection method: clinical testing. Allele origin: germline.
Comment: This sequence change replaces alanine, which is neutral and non-polar, with valine, which is neutral and non-polar, at codon 22 of the FOLR1 protein (p.Ala22Val). This variant is not present in population databases (gnomAD no frequency). This variant has not been reported in the literature in individuals affected with FOLR1-related conditions. ClinVar contains an entry for this variant (Variation ID: 587946). Algorithms developed to predict the effect of missense changes on protein structure and function (SIFT, PolyPhen-2, Align-GVGD) all suggest that this variant is likely to be tolerated. In summary, the available evidence is currently insufficient to determine the role of this variant in disease. Therefore, it has been classified as a Variant of Uncertain Significance.

Ambry Genetics
Classification: Uncertain significance for Inborn genetic diseases. Last evaluated: 2016-06-15. Review status: criteria provided, single submitter. Criteria: Ambry Variant Classification Scheme 2023. Collection method: clinical testing. Allele origin: germline.
Comment: The p.A22V variant (also known as c.65C>T), located in coding exon 1 of the FOLR1 gene, results from a C to T substitution at nucleotide position 65. The alanine at codon 22 is replaced by valine, an amino acid with similar properties. This variant was not reported in population based cohorts in the following databases: Database of Single Nucleotide Polymorphisms (dbSNP), NHLBI Exome Sequencing Project (ESP), and 1000 Genomes Project. In the ESP, this variant was not observed in 6493 samples (12986 alleles) with coverage at this position. This amino acid position is not well conserved in available vertebrate species. In addition, this alteration is predicted to be tolerated by in silico analysis. Since supporting evidence is limited at this time, the clinical significance of this alteration remains unclear.